The following is an entry in ClinVar:

NM_000406.3(GNRHR):c.648C>T (p.Phe216=)

Gene: GNRHR (gonadotropin releasing hormone receptor; minus strand). Cytogenetic location: 4q13.2.
Variant type: single nucleotide variant.
Coding change: c.648C>T on transcript NM_000406.3 (MANE Select); coding-DNA position 648, C replaced by T.
Protein change: p.Phe216=; no amino-acid change (phenylalanine 216 retained).
Molecular consequence: synonymous variant. On other transcripts: intron variant (1).
Genome position (GRCh38, 1-based): chr4:67,744,662, G>A on the plus strand (C>T on the coding strand, the complement: GNRHR is on the minus strand). VCF-style: chr4-67744662-G-A. GRCh37 (hg19) VCF-style: chr4-68610380-G-A.
Other names: c.523-3C>T (NM_001012763.2).
Identifiers: ClinVar variation 349454 (VCV000349454.14), dbSNP rs144451862, ClinGen allele CA2938899.
Genomic context (GRCh38, chr4:67,744,662, plus strand): 5'-GAAGATGATTTTTGCATTGCAGATCAGCATGATGAAAAGAGGGATGATGAAGAGGCAGCT[G>A]AAGGTGAAAAAGTTATAAAATGCTTGATGCCACCATTGTGAAAAACTGCAGTGTGTTACA-3'
Protein context (NP_000397.1, residues 206-226): WHQAFYNFFT[Phe216=]SCLFIIPLFI

ClinVar aggregate classification (germline): Conflicting classifications of pathogenicity. Review status: criteria provided, conflicting classifications (1 of 4 stars). 5 submissions from 5 submitters: Uncertain significance (2); Likely benign (2). 1 of the submissions does not count toward it. Last evaluated 2025-12-02.

Conditions:
GNRHR-related disorder. Also called: GNRHR-related condition.
Hypogonadotropic hypogonadism 7 with or without anosmia (HH7). Also called: HYPOGONADOTROPIC HYPOGONADISM 7 WITHOUT ANOSMIA; GNRHR-Related GnRH Deficiency. Identifiers: Orphanet 432, MedGen C0342384, MONDO:0007794, OMIM 146110.

Allele frequency attached by ClinVar (database versions not stated): gnomAD 0.00005 and 0.00006; ESP Exome Variant Server 0.00008; TOPMed 0.00008; gnomAD exomes 0.00011 and 0.00019; ExAC 0.00020.
gnomAD v4.1: 173 of 1,612,796 alleles (0.011%); highest among the groups gnomAD compares: Middle Eastern, 0.46%; no homozygotes.

Submissions (5):

Labcorp Genetics (formerly Invitae), Labcorp
Classification: Likely benign. Last evaluated: 2025-12-02. Review status: criteria provided, single submitter. Criteria: Invitae Variant Classification Sherloc (09022015). Collection method: clinical testing. Allele origin: germline.

Blueprint Genetics
Classification: Uncertain significance. Last evaluated: 2024-11-25. Review status: criteria provided, single submitter. Criteria: ACMG Guidelines, 2015. Collection method: clinical testing. Allele origin: germline.

Illumina Laboratory Services, Illumina
Classification: Uncertain significance for Hypogonadotropic hypogonadism 7 with or without anosmia. Last evaluated: 2018-01-13. Review status: criteria provided, single submitter. Criteria: ICSL Variant Classification Criteria 13 December 2019. Collection method: clinical testing. Allele origin: germline.

GeneDx
Classification: Likely benign. Last evaluated: 2017-02-08. Review status: criteria provided, single submitter. Criteria: GeneDx Variant Classification (06012015). Collection method: clinical testing. Allele origin: germline. Affected: yes.
Comment: This variant is considered likely benign or benign based on one or more of the following criteria: it is a conservative change, it occurs at a poorly conserved position in the protein, it is predicted to be benign by multiple in silico algorithms, and/or has population frequency not consistent with disease.

PreventionGenetics, part of Exact Sciences
Classification: Likely benign for GNRHR-related condition. Last evaluated: 2019-02-28. Review status: no assertion criteria provided. Collection method: clinical testing. Allele origin: germline. Not counted in ClinVar's aggregate classification.
Comment: This variant is classified as likely benign based on ACMG/AMP sequence variant interpretation guidelines (Richards et al. 2015 PMID: 25741868, with internal and published modifications).